The following is an entry in ClinVar:

NM_033028.5(BBS4):c.1157G>A (p.Gly386Asp)

Gene: BBS4 (Bardet-Biedl syndrome 4; plus strand). Cytogenetic location: 15q24.1.
Variant type: single nucleotide variant.
Coding change: c.1157G>A on transcript NM_033028.5 (MANE Select); coding-DNA position 1157, G replaced by A.
Protein change: p.Gly386Asp; replaces glycine 386 with aspartic acid.
Molecular consequence: missense variant. On other transcripts: non-coding transcript variant (2).
Genome position (GRCh38, 1-based): chr15:72,735,875, G>A. VCF-style: chr15-72735875-G-A. GRCh37 (hg19) VCF-style: chr15-73028216-G-A.
Other names: c.1157G>A (NM_033028.4); c.641G>A, p.Gly214Asp (NM_001252678.2); c.1088G>A, p.Gly363Asp (NM_001320665.2); short protein forms G363D, G386D, G214D.
Identifiers: ClinVar variation 1466967 (VCV001466967.8), dbSNP rs143607861, ClinGen allele CA7646927.
Genomic context (GRCh38, chr15:72,735,875, plus strand): 5'-TCTGCCACAGGTGTAACCCTTTAGTAAACCTGAACTATGCTGTGCTGCTGTACAACCAGG[G>A]CGAGAAGAAGAACGCCCTGGCCCAATATCAGGAGATGGAGAAGAAAGTCAGCCTACTCAA-3'
Protein context (NP_149017.2, residues 376-396): LNYAVLLYNQ[Gly386Asp]EKKNALAQYQ

ClinVar aggregate classification (germline): Uncertain significance. Review status: criteria provided, multiple submitters, no conflicts (2 of 4 stars). 3 submissions from 3 submitters: Uncertain significance (3). Last evaluated 2024-06-10.

Conditions:
Bardet-Biedl syndrome 4 (BBS4). Identifiers: Orphanet 110, MedGen C2936864, MONDO:0014433, OMIM 615982.
Bardet-Biedl syndrome (BBS). Identifiers: Orphanet 110, MedGen C0752166, MONDO:0015229.
BBS4-related disorder. Also called: BBS4-related condition.

Allele frequency attached by ClinVar (database versions not stated): gnomAD exomes below 0.00001 and 0.00001; ExAC 0.00002; TOPMed 0.00002; gnomAD 0.00004; ESP Exome Variant Server 0.00008; 1000 Genomes Project 30x 0.00016; 1000 Genomes Project 0.00020.
gnomAD v4.1: 9 of 1,614,122 alleles (0.00056%); highest among the groups gnomAD compares: African/African-American, 0.012%; no homozygotes.

Submissions (3):

Fulgent Genetics
Classification: Uncertain significance for Bardet-Biedl syndrome 4. Last evaluated: 2024-06-10. Review status: criteria provided, single submitter. Criteria: ACMG Guidelines, 2015. Collection method: clinical testing. Allele origin: germline.

Labcorp Genetics (formerly Invitae), Labcorp
Classification: Uncertain significance for Bardet-Biedl syndrome. Last evaluated: 2023-08-10. Review status: criteria provided, single submitter. Criteria: Invitae Variant Classification Sherloc (09022015). Collection method: clinical testing. Allele origin: germline.
Comment: This sequence change replaces glycine, which is neutral and non-polar, with aspartic acid, which is acidic and polar, at codon 386 of the BBS4 protein (p.Gly386Asp). This variant is present in population databases (rs143607861, gnomAD 0.007%). This variant has not been reported in the literature in individuals affected with BBS4-related conditions. ClinVar contains an entry for this variant (Variation ID: 1466967). Advanced modeling of protein sequence and biophysical properties (such as structural, functional, and spatial information, amino acid conservation, physicochemical variation, residue mobility, and thermodynamic stability) performed at Invitae indicates that this missense variant is not expected to disrupt BBS4 protein function. In summary, the available evidence is currently insufficient to determine the role of this variant in disease. Therefore, it has been classified as a Variant of Uncertain Significance.

PreventionGenetics, part of Exact Sciences
Classification: Uncertain significance for BBS4-related condition. Last evaluated: 2023-03-19. Review status: criteria provided, single submitter. Criteria: ACMG Guidelines, 2015. Collection method: clinical testing. Allele origin: germline.
Comment: The BBS4 c.1157G>A variant is predicted to result in the amino acid substitution p.Gly386Asp. To our knowledge, this variant has not been reported in the literature. This variant is reported in 0.012% of alleles in individuals of African descent in gnomAD. At this time, the clinical significance of this variant is uncertain due to the absence of conclusive functional and genetic evidence.